The following is an entry in ClinVar:

NM_001111.5(ADAR):c.3116A>C (p.Lys1039Thr)

Gene: ADAR (adenosine deaminase RNA specific; minus strand). Cytogenetic location: 1q21.3.
Variant type: single nucleotide variant.
Coding change: c.3116A>C on transcript NM_001111.5 (MANE Select); coding-DNA position 3116, A replaced by C.
Protein change: p.Lys1039Thr; replaces lysine 1039 with threonine.
Molecular consequence: missense variant.
Genome position (GRCh38, 1-based): chr1:154,586,267, T>G on the plus strand (A>C on the coding strand, the complement: ADAR is on the minus strand). VCF-style: chr1-154586267-T-G. GRCh37 (hg19) VCF-style: chr1-154558743-T-G.
Other names: c.2231A>C, p.Lys744Thr (NM_001025107.3, NM_001193495.2, NM_001365046.1 and 2 more transcripts); c.3143A>C, p.Lys1048Thr (NM_001365045.1); c.2153A>C, p.Lys718Thr (NM_001365049.1); c.3038A>C, p.Lys1013Thr (NM_015840.4); c.2981A>C, p.Lys994Thr (NM_015841.4); short protein forms K1048T, K1013T, K718T, K994T, K1039T, K744T.
Identifiers: ClinVar variation 2202843 (VCV002202843.4), dbSNP rs888096276, ClinGen allele CA342635694.

ClinVar aggregate classification (germline): Uncertain significance (1 of 4 stars; one submission).

Conditions:
Symmetrical dyschromatosis of extremities (DSH). Also called: RETICULATE ACROPIGMENTATION OF DOHI; SYMMETRIC DYSCHROMATOSIS OF THE EXTREMITIES; Dyschromatosis symmetrica hereditaria; DYSCHROMATOSIS SYMMETRICA HEREDITARIA 1. Identifiers: Orphanet 41, MedGen C0406775, MONDO:0007483, OMIM 127400.
Aicardi-Goutieres syndrome 6 (AGS6). Identifiers: Orphanet 51, MedGen C3539013, MONDO:0014007, OMIM 615010.

Submission:

Labcorp Genetics (formerly Invitae), Labcorp
Classification: Uncertain significance for Aicardi-Goutieres syndrome 6; Symmetrical dyschromatosis of extremities. Last evaluated: 2024-11-04. Review status: criteria provided, single submitter. Criteria: Invitae Variant Classification Sherloc (09022015). Collection method: clinical testing. Allele origin: germline.
Comment: This sequence change replaces lysine, which is basic and polar, with threonine, which is neutral and polar, at codon 1039 of the ADAR protein (p.Lys1039Thr). This variant is not present in population databases (gnomAD no frequency). This missense change has been observed in individual(s) with ADAR-related conditions (PMID: 20439151). ClinVar contains an entry for this variant (Variation ID: 2202843). Invitae Evidence Modeling of protein sequence and biophysical properties (such as structural, functional, and spatial information, amino acid conservation, physicochemical variation, residue mobility, and thermodynamic stability) has been performed for this missense variant. However, the output from this modeling did not meet the statistical confidence thresholds required to predict the impact of this variant on ADAR protein function. In summary, the available evidence is currently insufficient to determine the role of this variant in disease. Therefore, it has been classified as a Variant of Uncertain Significance.

Literature cited by the submitters: PubMed 20439151.